The following is an entry in ClinVar:

ClinVar aggregate classification (germline): Uncertain significance (1 of 4 stars; one submission).

Conditions:
Rhabdoid tumor predisposition syndrome 2 (RTPS2). Identifiers: Orphanet 231108, Orphanet 69077, MedGen C2750074, MONDO:0013224, OMIM 613325.

Submission:

Labcorp Genetics (formerly Invitae), Labcorp
Classification: Uncertain significance for Rhabdoid tumor predisposition syndrome 2. Last evaluated: 2021-04-13. Review status: criteria provided, single submitter. Criteria: Invitae Variant Classification Sherloc (09022015). Collection method: clinical testing. Allele origin: germline.
Comment: This variant has not been reported in the literature in individuals with SMARCA4-related conditions. This variant is not present in population databases (ExAC no frequency). This sequence change replaces glutamine with glutamic acid at codon 675 of the SMARCA4 protein (p.Gln675Glu). The glutamine residue is highly conserved and there is a small physicochemical difference between glutamine and glutamic acid. In summary, the available evidence is currently insufficient to determine the role of this variant in disease. Therefore, it has been classified as a Variant of Uncertain Significance. Algorithms developed to predict the effect of missense changes on protein structure and function are either unavailable or do not agree on the potential impact of this missense change (SIFT: "Deleterious"; PolyPhen-2: "Benign"; Align-GVGD: "Class C25").

NM_003072.5(SMARCA4):c.2023C>G (p.Gln675Glu)

Gene: SMARCA4 (SWI/SNF related BAF chromatin remodeling complex subunit ATPase 4; plus strand). Cytogenetic location: 19p13.2.
Variant type: single nucleotide variant.
Coding change: c.2023C>G on transcript NM_003072.5 (MANE Select); coding-DNA position 2023, C replaced by G.
Protein change: p.Gln675Glu; replaces glutamine 675 with glutamic acid.
Molecular consequence: missense variant. On other transcripts: non-coding transcript variant (1).
Genome position (GRCh38, 1-based): chr19:11,007,923, C>G. VCF-style: chr19-11007923-C-G. GRCh37 (hg19) VCF-style: chr19-11118599-C-G.
Other names: c.2023C>G, p.Gln675Glu (NM_001128844.3, NM_001128845.2, NM_001128846.2 and 5 more transcripts); short protein forms Q675E.
Identifiers: ClinVar variation 1482166 (VCV001482166.8), dbSNP rs2146190601, ClinGen allele CA404052410.